The following is an entry in ClinVar:

ClinVar aggregate classification (germline): Uncertain significance (1 of 4 stars; one submission).

Allele frequency attached by ClinVar (database versions not stated): ExAC 0.00001; gnomAD 0.00001; gnomAD exomes 0.00001 and 0.00002; TOPMed 0.00001.
gnomAD v4.1: 33 of 1,613,996 alleles (0.002%); highest among the groups gnomAD compares: Non-Finnish European, 0.0026%; no homozygotes.

Submission:

Labcorp Genetics (formerly Invitae), Labcorp
Classification: Uncertain significance. Last evaluated: 2021-08-26. Review status: criteria provided, single submitter. Criteria: Invitae Variant Classification Sherloc (09022015). Collection method: clinical testing. Allele origin: germline.
Comment: This sequence change replaces valine with leucine at codon 893 of the EFL1 protein (p.Val893Leu). The valine residue is weakly conserved and there is a small physicochemical difference between valine and leucine. This variant is present in population databases (rs745884761, ExAC 0.001%). This variant has not been reported in the literature in individuals affected with EFL1-related conditions. Algorithms developed to predict the effect of missense changes on protein structure and function (SIFT, PolyPhen-2, Align-GVGD) all suggest that this variant is likely to be tolerated. In summary, the available evidence is currently insufficient to determine the role of this variant in disease. Therefore, it has been classified as a Variant of Uncertain Significance.

NM_024580.6(EFL1):c.2677G>C (p.Val893Leu)

Gene: EFL1 (elongation factor like GTPase 1; minus strand). Cytogenetic location: 15q25.2.
Variant type: single nucleotide variant.
Coding change: c.2677G>C on transcript NM_024580.6 (MANE Select); coding-DNA position 2677, G replaced by C.
Protein change: p.Val893Leu; replaces valine 893 with leucine.
Molecular consequence: missense variant. On other transcripts: non-coding transcript variant (1).
Genome position (GRCh38, 1-based): chr15:82,151,777, C>G on the plus strand (G>C on the coding strand, the complement: EFL1 is on the minus strand). VCF-style: chr15-82151777-C-G. GRCh37 (hg19) VCF-style: chr15-82444118-C-G.
Other names: c.2524G>C, p.Val842Leu (NM_001040610.3); c.1888G>C, p.Val630Leu (NM_001322844.2); c.2677G>C, p.Val893Leu (NM_001322845.2); short protein forms V842L, V893L, V630L.
Identifiers: ClinVar variation 1479770 (VCV001479770.5), dbSNP rs745884761, ClinGen allele CA7697711.